The following is an entry in ClinVar:

ClinVar aggregate classification (germline): Uncertain significance. Review status: criteria provided, multiple submitters, no conflicts (2 of 4 stars). 2 submissions from 2 submitters: Uncertain significance (2). Last evaluated 2025-06-07.

Conditions:
Inborn genetic diseases. Identifiers: MedGen C0950123, MeSH D030342.

Allele frequency attached by ClinVar (database versions not stated): gnomAD 0.00001; gnomAD exomes 0.00001; ExAC 0.00006; ESP Exome Variant Server 0.00008; TOPMed 0.00002.
gnomAD v4.1: 22 of 1,613,902 alleles (0.0014%); highest among the groups gnomAD compares: Admixed American, 0.025%; no homozygotes.

Submissions (2):

Ambry Genetics
Classification: Uncertain significance for Inborn genetic diseases. Last evaluated: 2025-06-07. Review status: criteria provided, single submitter. Criteria: Ambry Variant Classification Scheme 2023. Collection method: clinical testing. Allele origin: germline.

Labcorp Genetics (formerly Invitae), Labcorp
Classification: Uncertain significance. Last evaluated: 2022-08-21. Review status: criteria provided, single submitter. Criteria: Invitae Variant Classification Sherloc (09022015). Collection method: clinical testing. Allele origin: germline.
Comment: In summary, the available evidence is currently insufficient to determine the role of this variant in disease. Therefore, it has been classified as a Variant of Uncertain Significance. Algorithms developed to predict the effect of missense changes on protein structure and function are either unavailable or do not agree on the potential impact of this missense change (SIFT: "Deleterious"; PolyPhen-2: "Probably Damaging"; Align-GVGD: "Class C0"). This variant has not been reported in the literature in individuals affected with DNAH9-related conditions. This variant is present in population databases (rs375302076, gnomAD 0.04%). This sequence change replaces alanine, which is neutral and non-polar, with threonine, which is neutral and polar, at codon 4183 of the DNAH9 protein (p.Ala4183Thr).

NM_001372.4(DNAH9):c.12547G>A (p.Ala4183Thr)

Gene: DNAH9 (dynein axonemal heavy chain 9; plus strand). Cytogenetic location: 17p12.
Variant type: single nucleotide variant.
Coding change: c.12547G>A on transcript NM_001372.4 (MANE Select); coding-DNA position 12547, G replaced by A.
Protein change: p.Ala4183Thr; replaces alanine 4183 with threonine.
Molecular consequence: missense variant.
Genome position (GRCh38, 1-based): chr17:11,937,409, G>A. VCF-style: chr17-11937409-G-A. GRCh37 (hg19) VCF-style: chr17-11840726-G-A.
Other names: c.1483G>A, p.Ala495Thr (NM_004662.2); c.12547G>A (NM_001372.3); short protein forms A4183T, A495T.
Identifiers: ClinVar variation 1970940 (VCV001970940.4), dbSNP rs375302076, ClinGen allele CA8398185.
Genomic context (GRCh38, chr17:11,937,409, plus strand): 5'-CAGTACATCGATGCTGAGCTGCCCCCAGAATCCCCCTACCTCTATGGCCTCCACCCGAAC[G>A]CAGAGATTGGCTTCCTGACCCAAACCTCAGAAAAGCTCTTCCGCACTGTGCTGGAGCTGC-3'
Protein context (NP_001363.2, residues 4173-4193): SPYLYGLHPN[Ala4183Thr]EIGFLTQTSE